The following is an entry in ClinVar:

ClinVar aggregate classification (germline): Benign. Review status: criteria provided, multiple submitters, no conflicts (2 of 4 stars). 3 submissions from 3 submitters: Benign (3). Last evaluated 2026-02-01.

Conditions:
Hemochromatosis type 4 (HFE4). Also called: HEMOCHROMATOSIS DUE TO DEFECT IN FERROPORTIN; HEMOCHROMATOSIS, AUTOSOMAL DOMINANT; Ferroportin disease. Identifiers: Orphanet 139491, Orphanet 647834, Orphanet 648562, MedGen C1853733, MONDO:0011631, OMIM 606069.

Allele frequency attached by ClinVar (database versions not stated): ESP Exome Variant Server 0.03814; ExAC 0.01108; 1000 Genomes Project 0.03275; gnomAD exomes 0.00858; 1000 Genomes Project 30x 0.03357; gnomAD 0.03247 and 0.03499; TOPMed 0.03666.
gnomAD v4.1: 9,831 of 1,600,272 alleles (0.61%); highest among the groups gnomAD compares: African/African-American, 12%; 543 homozygotes.

Submissions (3):

Labcorp Genetics (formerly Invitae), Labcorp
Classification: Benign for Hemochromatosis type 4. Last evaluated: 2026-02-01. Review status: criteria provided, single submitter. Criteria: Invitae Variant Classification Sherloc (09022015). Collection method: clinical testing. Allele origin: germline.

Illumina Laboratory Services, Illumina
Classification: Benign for Hemochromatosis type 4. Last evaluated: 2018-01-13. Review status: criteria provided, single submitter. Criteria: ICSL Variant Classification Criteria 13 December 2019. Collection method: clinical testing. Allele origin: germline.
Comment: This variant was observed in the ICSL laboratory as part of a predisposition screen in an ostensibly healthy population. It had not been previously curated by ICSL or reported in the Human Gene Mutation Database (HGMD: prior to June 1st, 2018), and was therefore a candidate for classification through an automated scoring system. Utilizing variant allele frequency, disease prevalence and penetrance estimates, and inheritance mode, an automated score was calculated to assess if this variant is too frequent to cause the disease. Based on the score and internal cut-off values, a variant classified as benign is not then subjected to further curation. The score for this variant resulted in a classification of benign for this disease.

Breakthrough Genomics
Classification: Benign. Review status: criteria provided, single submitter. Criteria: ACMG Guidelines, 2015. Collection method: not provided. Allele origin: germline. Inheritance: Autosomal dominant inheritance. Affected: yes.

NM_014585.6(SLC40A1):c.387C>T (p.Leu129=)

Gene: SLC40A1 (solute carrier family 40 member 1; minus strand). Cytogenetic location: 2q32.2.
Variant type: single nucleotide variant.
Coding change: c.387C>T on transcript NM_014585.6 (MANE Select); coding-DNA position 387, C replaced by T.
Protein change: p.Leu129=; no amino-acid change (leucine 129 retained).
Molecular consequence: synonymous variant.
Genome position (GRCh38, 1-based): chr2:189,572,846, G>A on the plus strand (C>T on the coding strand, the complement: SLC40A1 is on the minus strand). VCF-style: chr2-189572846-G-A. GRCh37 (hg19) VCF-style: chr2-190437572-G-A.
Identifiers: ClinVar variation 333170 (VCV000333170.18), dbSNP rs11568344, ClinGen allele CA2024243.